The following is an entry in ClinVar:

NM_000256.3(MYBPC3):c.*26+1G>A

Gene: MYBPC3 (myosin binding protein C3; minus strand). Cytogenetic location: 11p11.2.
Variant type: single nucleotide variant.
Coding change: c.*26+1G>A on transcript NM_000256.3 (MANE Select); the canonical splice donor site of the intron after 26 bases downstream of the stop codon, G replaced by A.
Molecular consequence: splice donor variant.
Genome position (GRCh38, 1-based): chr11:47,331,844, C>T on the plus strand (G>A on the coding strand, the complement: MYBPC3 is on the minus strand). VCF-style: chr11-47331844-C-T. GRCh37 (hg19) VCF-style: chr11-47353395-C-T.
Identifiers: ClinVar variation 3368829 (VCV003368829.2).

ClinVar aggregate classification (germline): Uncertain significance (1 of 4 stars; one submission).

Submission:

GeneDx
Classification: Uncertain significance. Last evaluated: 2025-01-21. Review status: criteria provided, single submitter. Criteria: GeneDx Variant Classification Process June 2021. Collection method: clinical testing. Allele origin: germline.
Comment: Not observed at significant frequency in large population cohorts (gnomAD); In silico analysis supports a deleterious effect on splicing; Has not been previously published as pathogenic or benign to our knowledge